The following is an entry in ClinVar:

NM_022098.4(XPNPEP3):c.292G>A (p.Val98Ile)

Gene: XPNPEP3 (X-prolyl aminopeptidase 3; plus strand). Cytogenetic location: 22q13.2.
Variant type: single nucleotide variant.
Coding change: c.292G>A on transcript NM_022098.4 (MANE Select); coding-DNA position 292, G replaced by A.
Protein change: p.Val98Ile; replaces valine 98 with isoleucine.
Molecular consequence: missense variant.
Genome position (GRCh38, 1-based): chr22:40,881,880, G>A. VCF-style: chr22-40881880-G-A. GRCh37 (hg19) VCF-style: chr22-41277884-G-A.
Other names: c.292G>A (NM_022098.3); short protein forms V98I.
Identifiers: ClinVar variation 2162945 (VCV002162945.3), dbSNP rs866187952, ClinGen allele CA324516274.
Genomic context (GRCh38, chr22:40,881,880, plus strand): 5'-AAACTAATGTCTCTGATCCAGAAGGAAGCTCAAGGGCAGAGTGGGACAGACCAGACAGTG[G>A]TTGTGCTCTCCAACCCTACATACTACATGAGCAACGATATTCCCTATACTTTCCACCAAG-3'
Protein context (NP_071381.1, residues 88-108): QGQSGTDQTV[Val98Ile]VLSNPTYYMS

ClinVar aggregate classification (germline): Uncertain significance. Review status: criteria provided, multiple submitters, no conflicts (2 of 4 stars). 2 submissions from 2 submitters: Uncertain significance (2). Last evaluated 2024-10-07.

Conditions:
Nephronophthisis-like nephropathy 1 (NPHPL1). Identifiers: Orphanet 655, MedGen C3150419, MONDO:0013163, OMIM 613159.
Inborn genetic diseases. Identifiers: MedGen C0950123, MeSH D030342.

Allele frequency attached by ClinVar (database versions not stated): gnomAD exomes below 0.00001; TOPMed 0.00001.

Submissions (2):

Ambry Genetics
Classification: Uncertain significance for Inborn genetic diseases. Last evaluated: 2024-10-07. Review status: criteria provided, single submitter. Criteria: Ambry Variant Classification Scheme 2023. Collection method: clinical testing. Allele origin: germline.

Labcorp Genetics (formerly Invitae), Labcorp
Classification: Uncertain significance for Nephronophthisis-like nephropathy 1. Last evaluated: 2022-06-20. Review status: criteria provided, single submitter. Criteria: Invitae Variant Classification Sherloc (09022015). Collection method: clinical testing. Allele origin: germline.
Comment: In summary, the available evidence is currently insufficient to determine the role of this variant in disease. Therefore, it has been classified as a Variant of Uncertain Significance. Algorithms developed to predict the effect of missense changes on protein structure and function output the following: SIFT: "Tolerated"; PolyPhen-2: "Benign"; Align-GVGD: "Class C0". The isoleucine amino acid residue is found in multiple mammalian species, which suggests that this missense change does not adversely affect protein function. This variant has not been reported in the literature in individuals affected with XPNPEP3-related conditions. This variant is not present in population databases (gnomAD no frequency). This sequence change replaces valine, which is neutral and non-polar, with isoleucine, which is neutral and non-polar, at codon 98 of the XPNPEP3 protein (p.Val98Ile).